The following is an entry in ClinVar:

NC_000017.10:g.(79213479_79214786)_(79215111_?)del

Gene: NDUFAF8 (NADH:ubiquinone oxidoreductase complex assembly factor 8; plus strand). Cytogenetic location: 17q25.3.
Variant type: Deletion.
Identifiers: ClinVar variation 4526157 (VCV004526157.1).

ClinVar aggregate classification (germline): Uncertain significance (1 of 4 stars; one submission).

Submission:

Women's Health and Genetics/Laboratory Corporation of America, LabCorp
Classification: Uncertain significance. Last evaluated: 2025-07-28. Review status: criteria provided, single submitter. Criteria: LabCorp Variant Classification Summary - May 2015. Collection method: clinical testing. Allele origin: germline.
Comment: Variant summary: The variant involves the deletion of exon 3 in the NDUFAF8 gene. A presumed nomenclature of c.(195+1_196-1)_(*295_?)del has been designated for the purposes of this classification. The exact breakpoint at the distal 3' end of this variant is unknown, therefore this deletion may extend downstream of the annotated region of the gene. As it encompasses the termination codon, it is predicted to escape nonsense mediated decay (NMD). The variant was absent in 21694 control chromosomes. The available data on variant occurrences in the general population are insufficient to allow any conclusion about variant significance. To our knowledge, no occurrence of c.(195+1_196-1)_(*295_?)del in individuals affected with Mitochondrial Complex 1 Deficiency, Nuclear Type 34 and no experimental evidence demonstrating its impact on protein function have been reported. No submitters have cited clinical-significance assessments for this variant to ClinVar. Based on the evidence outlined above, the variant was classified as uncertain significance.